The following is an entry in ClinVar:

ClinVar aggregate classification (germline): Uncertain significance (1 of 4 stars; one submission).

Conditions:
Epidermolysis bullosa simplex 3, localized or generalized intermediate, with BP230 deficiency (EBS3). Also called: Epidermolysis bullosa simplex, autosomal recessive 2; Epidermolysis bullosa simplex due to BP230 deficiency. Identifiers: Orphanet 412181, MedGen C3809470, MONDO:0014180, OMIM 615425.
Hereditary sensory and autonomic neuropathy type 6. Also called: HSAN VI; Neuropathy, hereditary sensory and autonomic, type VI. Identifiers: Orphanet 314381, MedGen C3539003, MONDO:0013839, OMIM 614653.

gnomAD v4.1: 1 of 1,609,180 alleles (0.000062%); no homozygotes.

Submission:

Labcorp Genetics (formerly Invitae), Labcorp
Classification: Uncertain significance for Epidermolysis bullosa simplex 3, localized or generalized intermediate, with BP230 deficiency; Hereditary sensory and autonomic neuropathy type 6. Last evaluated: 2026-01-06. Review status: criteria provided, single submitter. Criteria: Invitae Variant Classification Sherloc (09022015). Collection method: clinical testing. Allele origin: germline.
Comment: The DST gene has multiple clinically relevant transcripts. This variant occurs in alternate transcript NM_001723.5:c.*113886G>A, and corresponds to NM_001723.5:c.*113886G>A in the primary transcript. This sequence change affects codon 3920 of the DST mRNA. It is a 'silent' change, meaning that it does not change the encoded amino acid sequence of the DST protein. This variant is not present in population databases (gnomAD no frequency). This variant has not been reported in the literature in individuals affected with DST-related conditions. Experimental studies and prediction algorithms are not available or were not evaluated, and the effect of this variant on mRNA splicing is currently unknown. In summary, the available evidence is currently insufficient to determine the role of this variant in disease. Therefore, it has been classified as a Variant of Uncertain Significance.

NM_001374736.1(DST):c.19629G>A (p.Glu6543=)

Gene: DST (dystonin; minus strand). Cytogenetic location: 6p12.1.
Variant type: single nucleotide variant.
Coding change: c.19629G>A on transcript NM_001374736.1 (MANE Select); coding-DNA position 19629, G replaced by A.
Protein change: p.Glu6543=; no amino-acid change (glutamic acid 6543 retained).
Molecular consequence: synonymous variant.
Genome position (GRCh38, 1-based): chr6:56,501,631, C>T on the plus strand (G>A on the coding strand, the complement: DST is on the minus strand). VCF-style: chr6-56501631-C-T. GRCh37 (hg19) VCF-style: chr6-56366429-C-T.
Other names: c.12738G>A, p.Glu4246= (NM_183380.4, NM_001386100.1); c.13272G>A, p.Glu4424= (NM_001144769.5); c.12858G>A, p.Glu4286= (NM_001144770.2); c.19629G>A, p.Glu6543= (NM_001374722.1); c.18669G>A, p.Glu6223= (NM_001374729.1); c.12411G>A, p.Glu4137= (NM_001374730.1); c.19656G>A, p.Glu6552= (NM_001374734.1); c.11760G>A, p.Glu3920= (NM_015548.5).
Identifiers: ClinVar variation 4790317 (VCV004790317.1).
Genomic context (GRCh38, chr6:56,501,631, plus strand): 5'-CATTAATGGGTCTTGAACAGTGTGTTTGTCACTCTCTTCTGTTACTTTCTTTAGCAAAAG[C>T]TCTGCTTGATGATTCAGTCTTTCCATTTCTATCTGCTGTTGATAGGCCTCAGACTTAAAT-3'
Protein context (NP_001361665.1, residues 6533-6553): IEMERLNHQA[Glu6543=]LLLKKVTEES